The following is an entry in ClinVar:

NM_000489.6(ATRX):c.2206G>A (p.Ala736Thr)

Gene: ATRX (ATRX chromatin remodeler; minus strand). Cytogenetic location: Xq21.1.
Variant type: single nucleotide variant.
Coding change: c.2206G>A on transcript NM_000489.6 (MANE Select); coding-DNA position 2206, G replaced by A.
Protein change: p.Ala736Thr; replaces alanine 736 with threonine.
Molecular consequence: missense variant.
Genome position (GRCh38, 1-based): chrX:77,683,050, C>T on the plus strand (G>A on the coding strand, the complement: ATRX is on the minus strand). VCF-style: chrX-77683050-C-T. GRCh37 (hg19) VCF-style: chrX-76938542-C-T.
Other names: c.2092G>A, p.Ala698Thr (NM_138270.5); short protein forms A698T, A736T.
Identifiers: ClinVar variation 2138882 (VCV002138882.3), dbSNP rs2148604214, ClinGen allele CA413712951.

ClinVar aggregate classification (germline): Uncertain significance (1 of 4 stars; one submission).

Conditions:
Alpha thalassemia-X-linked intellectual disability syndrome (ATRX). Also called: ALPHA-THALASSEMIA/MENTAL RETARDATION SYNDROME, X-LINKED; ATR, NONDELETION TYPE; ATR-X syndrome; Alpha thalassemia mental retardation syndrome, nondeletion type, X-linked; XLMR hypotonic face syndrome; X-linked alpha-thalassemia-mental retardation syndrome. Identifiers: Orphanet 847, MedGen C1845055, MONDO:0010519, OMIM 301040.

gnomAD v4.1: 2 of 1,210,598 alleles (0.00017%); highest among the groups gnomAD compares: Non-Finnish European, 0.00022%; no homozygotes.

Submission:

Labcorp Genetics (formerly Invitae), Labcorp
Classification: Uncertain significance for Alpha thalassemia-X-linked intellectual disability syndrome. Last evaluated: 2024-09-15. Review status: criteria provided, single submitter. Criteria: Invitae Variant Classification Sherloc (09022015). Collection method: clinical testing. Allele origin: germline.
Comment: This sequence change replaces alanine, which is neutral and non-polar, with threonine, which is neutral and polar, at codon 736 of the ATRX protein (p.Ala736Thr). This variant is not present in population databases (gnomAD no frequency). This variant has not been reported in the literature in individuals affected with ATRX-related conditions. ClinVar contains an entry for this variant (Variation ID: 2138882). Invitae Evidence Modeling of protein sequence and biophysical properties (such as structural, functional, and spatial information, amino acid conservation, physicochemical variation, residue mobility, and thermodynamic stability) indicates that this missense variant is not expected to disrupt ATRX protein function with a negative predictive value of 95%. In summary, the available evidence is currently insufficient to determine the role of this variant in disease. Therefore, it has been classified as a Variant of Uncertain Significance.